The following is an entry in ClinVar:

ClinVar aggregate classification (germline): Likely benign (1 of 4 stars; one submission).

Allele frequency attached by ClinVar (database versions not stated): gnomAD exomes below 0.00001; gnomAD 0.00003; ESP Exome Variant Server 0.00008; 1000 Genomes Project 0.00020; 1000 Genomes Project 30x 0.00031.
gnomAD v4.1: 8 of 1,613,770 alleles (0.0005%); highest among the groups gnomAD compares: African/African-American, 0.004%; no homozygotes.

Submission:

CeGaT Center for Human Genetics Tuebingen
Classification: Likely benign. Last evaluated: 2024-04-01. Review status: criteria provided, single submitter. Criteria: CeGaT Center For Human Genetics Tuebingen Variant Classification Criteria Version 2. Collection method: clinical testing. Allele origin: germline. Affected: yes. Observed: 1 variant allele.
Comment: WIPI2: BP4, BP7

NM_015610.4(WIPI2):c.831C>T (p.Leu277=)

Gene: WIPI2 (WD repeat domain, phosphoinositide interacting 2; plus strand). Cytogenetic location: 7p22.1.
Variant type: single nucleotide variant.
Coding change: c.831C>T on transcript NM_015610.4 (MANE Select); coding-DNA position 831, C replaced by T.
Protein change: p.Leu277=; no amino-acid change (leucine 277 retained).
Molecular consequence: synonymous variant.
Genome position (GRCh38, 1-based): chr7:5,225,913, C>T. VCF-style: chr7-5225913-C-T. GRCh37 (hg19) VCF-style: chr7-5265544-C-T.
Other names: c.831C>T, p.Leu277= (NM_001033518.2); c.777C>T, p.Leu259= (NM_001033519.2, NM_016003.4); c.654C>T, p.Leu218= (NM_001033520.1); c.399C>T, p.Leu133= (NM_001278299.2).
Identifiers: ClinVar variation 3234734 (VCV003234734.20), dbSNP rs149539910, ClinGen allele CA4141866.